The following is an entry in ClinVar:

ClinVar aggregate classification (germline): Conflicting classifications of pathogenicity. Review status: criteria provided, conflicting classifications (1 of 4 stars). 2 submissions from 2 submitters: Uncertain significance (1); Likely benign (1). Last evaluated 2023-03-23.

Conditions:
Hereditary cancer-predisposing syndrome. Also called: Neoplastic Syndromes, Hereditary; Tumor predisposition; Hereditary Cancer Syndrome; Hereditary neoplastic syndrome. Identifiers: Orphanet 140162, MedGen C0027672, MeSH D009386, MONDO:0015356.

Submissions (2):

University of Washington Department of Laboratory Medicine, University of Washington
Classification: Likely benign for Hereditary cancer-predisposing syndrome. Last evaluated: 2023-03-23. Review status: criteria provided, single submitter. Criteria: Dines et al. (Genet Med. 2020). Collection method: curation. Allele origin: germline.
Comment: Missense variant in a coldspot region where missense variants are very unlikely to be pathogenic (PMID:31911673).

BRCA1 coldspot (exon 11 using historical exon numbering). Reclassification based on statistical prior probability

Ambry Genetics
Classification: Uncertain significance for Hereditary cancer-predisposing syndrome. Last evaluated: 2021-07-16. Review status: criteria provided, single submitter. Criteria: Ambry Variant Classification Scheme 2023. Collection method: clinical testing. Allele origin: germline.
Comment: The p.Y1094S variant (also known as c.3281A>C), located in coding exon 9 of the BRCA1 gene, results from an A to C substitution at nucleotide position 3281. The tyrosine at codon 1094 is replaced by serine, an amino acid with dissimilar properties. This amino acid position is conserved. In addition, this alteration is predicted to be tolerated by in silico analysis. Since supporting evidence is limited at this time, the clinical significance of this alteration remains unclear.

NM_007294.4(BRCA1):c.3281A>C (p.Tyr1094Ser)

Genes: BRCA1 (BRCA1 DNA repair associated; minus strand), LOC126862571 (BRD4-independent group 4 enhancer GRCh37_chr17:41243136-41244335; plus strand). Cytogenetic location: 17q21.31.
Variant type: single nucleotide variant.
Coding change: c.3281A>C on transcript NM_007294.4 (MANE Select); coding-DNA position 3281, A replaced by C.
Protein change: p.Tyr1094Ser; replaces tyrosine 1094 with serine.
Molecular consequence: missense variant. On other transcripts: intron variant (137).
Genome position (GRCh38, 1-based): chr17:43,092,250, T>G on the plus strand (A>C on the coding strand, the complement: BRCA1 is on the minus strand). VCF-style: chr17-43092250-T-G. GRCh37 (hg19) VCF-style: chr17-41244267-T-G.
Other names: c.3017A>C, p.Tyr1006Ser (NM_001407929.1, NM_001407933.1, NM_001407935.1 and 9 more transcripts); c.3014A>C, p.Tyr1005Ser (NM_001407930.1, NM_001407931.1, NM_001407932.1 and 2 more transcripts); c.3158A>C, p.Tyr1053Ser (NM_001407938.1, NM_001407939.1, NM_001407937.1 and 19 more transcripts); c.3068A>C, p.Tyr1023Ser (NM_001407571.1, NM_001407853.1, NM_001407894.1 and 9 more transcripts); c.3281A>C, p.Tyr1094Ser (NM_001407581.1, NM_001407582.1, NM_001407583.1 and 30 more transcripts); c.3278A>C, p.Tyr1093Ser (NM_001407587.1, NM_001407590.1, NM_001407591.1 and 22 more transcripts); c.3272A>C, p.Tyr1091Ser (NM_001407646.1, NM_001407647.1); c.3155A>C, p.Tyr1052Ser (NM_001407649.1, NM_001407670.1, NM_001407671.1 and 11 more transcripts); and 41 more; short protein forms Y1046S, Y1068S, Y798S, Y966S, Y1006S, Y1053S, Y1091S, Y1093S.
Identifiers: ClinVar variation 1729736 (VCV001729736.4), dbSNP rs1597864637, ClinGen allele CA10595428.
Genomic context (GRCh38, chr17:43,092,250, plus strand): 5'-TCATATTCTTGCTTTTTTATTTCAGGATGCTTACAATTACTTCCAGGAAGACTTTGTTTA[T>G]AGACCTCAGGTTGCAAAACCCCTAATCTAAGCATAGCATTCAATTTTGGCCCTCTGTTTC-3'
Protein context (NP_009225.1, residues 1084-1104): LRLGVLQPEV[Tyr1094Ser]KQSLPGSNCK